The following is an entry in ClinVar:

NM_001458.5(FLNC):c.4413A>T (p.Gln1471His)

Gene: FLNC (filamin C; plus strand). Cytogenetic location: 7q32.1.
Variant type: single nucleotide variant.
Coding change: c.4413A>T on transcript NM_001458.5 (MANE Select); coding-DNA position 4413, A replaced by T.
Protein change: p.Gln1471His; replaces glutamine 1471 with histidine.
Molecular consequence: missense variant.
Genome position (GRCh38, 1-based): chr7:128,847,821, A>T. VCF-style: chr7-128847821-A-T. GRCh37 (hg19) VCF-style: chr7-128487875-A-T.
Other names: c.4413A>T, p.Gln1471His (NM_001127487.2); short protein forms Q1471H.
Identifiers: ClinVar variation 539450 (VCV000539450.14), dbSNP rs765435961, ClinGen allele CA4475326.

ClinVar aggregate classification (germline): Conflicting classifications of pathogenicity. Review status: criteria provided, conflicting classifications (1 of 4 stars). 5 submissions from 5 submitters: Uncertain significance (4); Likely benign (1). Last evaluated 2024-12-02.

Conditions:
Dilated Cardiomyopathy, Dominant.
Distal myopathy with posterior leg and anterior hand involvement. Also called: WILLIAMS DISTAL MYOPATHY. Identifiers: Orphanet 63273, MedGen C3279722, MONDO:0013550, OMIM 614065.
Myofibrillar myopathy 5. Also called: Filaminopathy (type); FILAMINOPATHY, AUTOSOMAL DOMINANT. Identifiers: Orphanet 171445, MedGen C1836050, MONDO:0012289, OMIM 609524.
Hypertrophic cardiomyopathy 26. Also called: Cardiomyopathy, familial hypertrophic, 26. Identifiers: Orphanet 75249, MedGen C4310749, MONDO:0014883, OMIM 617047.
Cardiovascular phenotype. Identifiers: MedGen CN230736.

Allele frequency attached by ClinVar (database versions not stated): TOPMed 0.00002; ExAC 0.00003; gnomAD 0.00003; gnomAD exomes 0.00004 and 0.00005.
gnomAD v4.1: 73 of 1,613,588 alleles (0.0045%); highest among the groups gnomAD compares: Non-Finnish European, 0.006%; no homozygotes.

Submissions (5):

Women's Health and Genetics/Laboratory Corporation of America, LabCorp
Classification: Likely benign. Last evaluated: 2024-12-02. Review status: criteria provided, single submitter. Criteria: LabCorp Variant Classification Summary - May 2015. Collection method: clinical testing. Allele origin: germline.
Comment: Variant summary: FLNC c.4413A>T (p.Gln1471His) results in a non-conservative amino acid change located in the Filamin/ABP280 repeat domain (IPR017868) of the encoded protein sequence. Four of five in-silico tools predict a damaging effect of the variant on protein function. The variant allele was found at a frequency of 4.4e-05 in 248982 control chromosomes, predominantly at a frequency of 9.7e-05 within the Non-Finnish European subpopulation in the gnomAD database, including 1 homozygotes. The observed variant frequency within Non-Finnish European control individuals in the gnomAD database is approximately 9-fold of the estimated maximal expected allele frequency for a pathogenic variant in FLNC causing Cardiomyopathy phenotype (1.1e-05). c.4413A>T has been reported in the literature in individuals affected with Cardiomyopathy (Chumakova_2023,vanderMeulen_2022), without strong evidence for causality. These report(s) do not provide unequivocal conclusions about association of the variant with Cardiomyopathy. Co-occurrences with other pathogenic variant(s) have been reported (MYBPC3 c.743_746del, p.Asp248Alafs*51), providing supporting evidence for a benign role (Chumakova_2023). To our knowledge, no experimental evidence demonstrating an impact on protein function has been reported. The following publications have been ascertained in the context of this evaluation (PMID: 38002985, 36178741). ClinVar contains an entry for this variant (Variation ID: 539450). Based on the evidence outlined above, the variant was classified as likely benign.

Labcorp Genetics (formerly Invitae), Labcorp
Classification: Uncertain significance for Distal myopathy with posterior leg and anterior hand involvement; Myofibrillar myopathy 5; Hypertrophic cardiomyopathy 26. Last evaluated: 2024-10-03. Review status: criteria provided, single submitter. Criteria: Invitae Variant Classification Sherloc (09022015). Collection method: clinical testing. Allele origin: germline.
Comment: This sequence change replaces glutamine, which is neutral and polar, with histidine, which is basic and polar, at codon 1471 of the FLNC protein (p.Gln1471His). This variant is present in population databases (rs765435961, gnomAD 0.008%). This missense change has been observed in individual(s) with FLNC-related conditions (PMID: 36178741). ClinVar contains an entry for this variant (Variation ID: 539450). Invitae Evidence Modeling of protein sequence and biophysical properties (such as structural, functional, and spatial information, amino acid conservation, physicochemical variation, residue mobility, and thermodynamic stability) has been performed for this missense variant. However, the output from this modeling did not meet the statistical confidence thresholds required to predict the impact of this variant on FLNC protein function. In summary, the available evidence is currently insufficient to determine the role of this variant in disease. Therefore, it has been classified as a Variant of Uncertain Significance.

Ambry Genetics
Classification: Uncertain significance for Cardiovascular phenotype. Last evaluated: 2024-01-29. Review status: criteria provided, single submitter. Criteria: Ambry Variant Classification Scheme 2023. Collection method: clinical testing. Allele origin: germline.
Comment: The p.Q1471H variant (also known as c.4413A>T), located in coding exon 25 of the FLNC gene, results from an A to T substitution at nucleotide position 4413. The glutamine at codon 1471 is replaced by histidine, an amino acid with highly similar properties. This amino acid position is not well conserved in available vertebrate species. In addition, this alteration is predicted to be tolerated by in silico analysis. Since supporting evidence is limited at this time, the clinical significance of this alteration remains unclear.

GeneDx
Classification: Uncertain significance. Last evaluated: 2023-02-01. Review status: criteria provided, single submitter. Criteria: GeneDx Variant Classification Process June 2021. Collection method: clinical testing. Allele origin: germline. Affected: yes.
Comment: In silico analysis supports that this missense variant has a deleterious effect on protein structure/function; Has not been previously published as pathogenic or benign to our knowledge

Phosphorus, Inc.
Classification: Uncertain significance. Last evaluated: 2022-01-19. Review status: criteria provided, single submitter. Criteria: ACMG Guidelines, 2015. Collection method: clinical testing. Allele origin: germline. Inheritance: Autosomal dominant inheritance.
Comment: This missense variant results in an amino acid substitution of glutamine with histidine at codon 1471 of the FLNC gene. The variant has an entry in ClinVar (539450) NM_001458.5 (FLNC): c.4413A>T (p.Gln1471His) and has occurred in GnomAD with a total MAF of 0.0037% and highest MAF of 0.0081% in the European population. This position is not conserved. In silico functional algorithms agreed, with PolyPhen calling it possibly damaging, and SIFT deleterious, but no functional studies were performed to confirm these predictions. The variant has not occurred in literature associated with disease. Considering that this is a rare variant, whose impact on the protein and association with disease are unknown, it has been classified as a Variant of Uncertain Significance.

Literature cited by the submitters: PubMed 36178741 (cited by 3 submitters); PubMed 38002985 (cited by Women's Health and Genetics/Laboratory Corporation of America, LabCorp).